The following is an entry in ClinVar:

ClinVar aggregate classification (germline): Pathogenic (1 of 4 stars; one submission).

Conditions:
Mitochondrial DNA depletion syndrome 13. Also called: FBXL4-Related Encephalomyopathic Mitochondrial DNA Depletion Syndrome; Mitochondrial DNA depletion syndrome 13 (encephalomyopathic type). Identifiers: Orphanet 369897, MedGen C3809592, MONDO:0014198, OMIM 615471.

Allele frequency attached by ClinVar (database versions not stated): gnomAD exomes below 0.00001; TOPMed below 0.00001; ExAC 0.00001.

Submission:

Wong Mito Lab, Molecular and Human Genetics, Baylor College of Medicine
Classification: Pathogenic for Mitochondrial DNA depletion syndrome 13. Last evaluated: 2017-08-10. Review status: criteria provided, single submitter. Criteria: ACMG Guidelines, 2015. Collection method: clinical testing. Allele origin: germline. Affected: yes.
Comment: The NM_012160.4:c.326del (NP_036292.2:p.Ser109MetfsTer?) [GRCH38: NC_000006.12:g.98926663del] variant in FBXL4 gene is interpretated to be a Pathogenic based on ACMG guidelines (PMID: 25741868). This variant meets one or more of the following evidence codes reported in the ACMG-guideline. PVS1:This variant is a predcted null variant in FBXL4 where loss of function is a known mechanism of disease. PM2:This variant is absent in key population databases. PP4:Patientâ€™s phenotype or family history is highly specific for FBXL4. Based on this evidence code ClinGen Pathogenicity Calculator (PMID:28081714) suggested that the variant is Pathogenic.

NM_001278716.2(FBXL4):c.326del (p.Ser109fs)

Gene: FBXL4 (F-box and leucine rich repeat protein 4; minus strand). Cytogenetic location: 6q16.2.
Variant type: Deletion.
Coding change: c.326del on transcript NM_001278716.2 (MANE Select); coding-DNA position 326, one base deleted (G; older notation c.326delG).
Protein change: p.Ser109fs; shifts the reading frame from serine 109.
Molecular consequence: frameshift variant. On other transcripts: non-coding transcript variant (2).
Genome position (GRCh38, 1-based): chr6:98,926,663, C deleted on the plus strand (G on the coding strand, the reverse complement: FBXL4 is on the minus strand). VCF-style (leftmost placement, unchanged base first): chr6-98926662-AC-A. GRCh37 (hg19) VCF-style: chr6-99374538-AC-A.
Other names: c.326del, p.Ser109fs (NM_012160.5); short protein forms S109fs.
Identifiers: ClinVar variation 437496 (VCV000437496.1), dbSNP rs761215749, ClinGen allele CA3933708.
Genomic context (GRCh38, chr6:98,926,662, plus strand): 5'-AAGTTCCACATAGTCCTGGCTCTGAAAATTAGGTGGCGTCCTCTTGAATGGCAAGGAAGC[AC>A]TAGGACACTGATCCCACCATGTCCCATAAGTTCGAAACACAGCTGTCTGAGTAAAGTCAC-3'